The following is an entry in ClinVar:

NM_014362.4(HIBCH):c.735A>C (p.Glu245Asp)

Gene: HIBCH (3-hydroxyisobutyryl-CoA hydrolase; minus strand). Cytogenetic location: 2q32.2.
Variant type: single nucleotide variant.
Coding change: c.735A>C on transcript NM_014362.4 (MANE Select); coding-DNA position 735, A replaced by C.
Protein change: p.Glu245Asp; replaces glutamic acid 245 with aspartic acid.
Molecular consequence: missense variant.
Genome position (GRCh38, 1-based): chr2:190,249,655, T>G on the plus strand (A>C on the coding strand, the complement: HIBCH is on the minus strand). VCF-style: chr2-190249655-T-G. GRCh37 (hg19) VCF-style: chr2-191114381-T-G.
Other names: p.Glu245Asp; c.735A>C, p.Glu245Asp (NM_198047.3); short protein forms E245D.
Identifiers: ClinVar variation 382428 (VCV000382428.14), dbSNP rs61752508, ClinGen allele CA2027528.

ClinVar aggregate classification (germline): Benign. Review status: criteria provided, multiple submitters, no conflicts (2 of 4 stars). 4 submissions from 4 submitters: Benign (4). Last evaluated 2026-02-03.

Conditions:
3-hydroxyisobutyryl-CoA hydrolase deficiency. Also called: METHACRYLIC ACID TOXICITY; METHACRYLIC ACIDURIA; Reduced circulating 3-hydroxyisobutyryl-CoA hydrolase activity; Deficiency of 3-hydroxyisobutyryl CoA hydrolase; VALINE METABOLIC DEFECT; HIBCH DEFICIENCY. Identifiers: Orphanet 88639, MedGen C0342738, MONDO:0009603, OMIM 250620, HP:6000215.

Allele frequency attached by ClinVar (database versions not stated): gnomAD exomes 0.00161 and 0.00448; ExAC 0.00572; gnomAD 0.01650 and 0.01780; ESP Exome Variant Server 0.01846; TOPMed 0.01951; 1000 Genomes Project 0.02037; 1000 Genomes Project 30x 0.02264.
gnomAD v4.1: 4,968 of 1,593,406 alleles (0.31%); highest among the groups gnomAD compares: African/African-American, 5.6%; 145 homozygotes.

Submissions (4):

Labcorp Genetics (formerly Invitae), Labcorp
Classification: Benign for 3-hydroxyisobutyryl-CoA hydrolase deficiency. Last evaluated: 2026-02-03. Review status: criteria provided, single submitter. Criteria: Invitae Variant Classification Sherloc (09022015). Collection method: clinical testing. Allele origin: germline.

Mayo Clinic Laboratories, Mayo Clinic
Classification: Benign. Last evaluated: 2023-10-28. Review status: criteria provided, single submitter. Criteria: ACMG Guidelines, 2015. Collection method: clinical testing. Allele origin: germline. Observed: 24 variant alleles.

GeneDx
Classification: Benign. Last evaluated: 2016-04-15. Review status: criteria provided, single submitter. Criteria: GeneDx Variant Classification (06012015). Collection method: clinical testing. Allele origin: germline. Affected: yes.
Comment: This variant is considered likely benign or benign based on one or more of the following criteria: it is a conservative change, it occurs at a poorly conserved position in the protein, it is predicted to be benign by multiple in silico algorithms, and/or has population frequency not consistent with disease.

Breakthrough Genomics
Classification: Benign. Review status: criteria provided, single submitter. Criteria: ACMG Guidelines, 2015. Collection method: not provided. Allele origin: germline. Inheritance: Autosomal recessive inheritance. Affected: yes.